The following is an entry in ClinVar:

NM_024422.6(DSC2):c.1604G>T (p.Arg535Ile)

Gene: DSC2 (desmocollin 2; minus strand). Cytogenetic location: 18q12.1.
Variant type: single nucleotide variant.
Coding change: c.1604G>T on transcript NM_024422.6 (MANE Select); coding-DNA position 1604, G replaced by T.
Protein change: p.Arg535Ile; replaces arginine 535 with isoleucine.
Molecular consequence: missense variant.
Genome position (GRCh38, 1-based): chr18:31,079,906, C>A on the plus strand (G>T on the coding strand, the complement: DSC2 is on the minus strand). VCF-style: chr18-31079906-C-A. GRCh37 (hg19) VCF-style: chr18-28659872-C-A.
Other names: c.1175G>T, p.Arg392Ile (NM_001406506.1, NM_001406507.1); c.1604G>T, p.Arg535Ile (NM_004949.5); short protein forms R392I, R535I.
Identifiers: ClinVar variation 4537702 (VCV004537702.1).

ClinVar aggregate classification (germline): Uncertain significance (1 of 4 stars; one submission).

Submission:

GeneDx
Classification: Uncertain significance. Last evaluated: 2025-06-15. Review status: criteria provided, single submitter. Criteria: GeneDx Variant Classification Process June 2021. Collection method: clinical testing. Allele origin: germline. Affected: yes.
Comment: Not observed at significant frequency in large population cohorts (gnomAD); In silico analysis supports that this missense variant has a deleterious effect on protein structure/function; Has not been previously published as pathogenic or benign to our knowledge